The following is an entry in ClinVar:

NM_005228.5(EGFR):c.2062C>T (p.Leu688Phe)

Gene: EGFR (epidermal growth factor receptor; plus strand). Cytogenetic location: 7p11.2.
Variant type: single nucleotide variant.
Coding change: c.2062C>T on transcript NM_005228.5 (MANE Select); coding-DNA position 2062, C replaced by T.
Protein change: p.Leu688Phe; replaces leucine 688 with phenylalanine.
Molecular consequence: missense variant.
Genome position (GRCh38, 1-based): chr7:55,173,921, C>T. VCF-style: chr7-55173921-C-T. GRCh37 (hg19) VCF-style: chr7-55241614-C-T.
Other names: c.1927C>T, p.Leu643Phe (NM_001346897.2, NM_001346899.2); c.2062C>T, p.Leu688Phe (NM_001346898.2); c.1903C>T, p.Leu635Phe (NM_001346900.2); c.1261C>T, p.Leu421Phe (NM_001346941.2); short protein forms L635F, L421F, L643F, L688F.
Identifiers: ClinVar variation 2850851 (VCV002850851.4), dbSNP rs749554270, ClinGen allele CA4265976.
Genomic context (GRCh38, chr7:55,173,921, plus strand): 5'-TGCTTTCCAGCATGGTGAGGGCTGAGGTGACCCTTGTCTCTGTGTTCTTGTCCCCCCCAG[C>T]TTGTGGAGCCTCTTACACCCAGTGGAGAAGCTCCCAACCAAGCTCTCTTGAGGATCTTGA-3'
Protein context (NP_005219.2, residues 678-698): TLRRLLQERE[Leu688Phe]VEPLTPSGEA

ClinVar aggregate classification (germline): Uncertain significance. Review status: criteria provided, multiple submitters, no conflicts (2 of 4 stars). 2 submissions from 2 submitters: Uncertain significance (2). Last evaluated 2025-06-09.

Conditions:
EGFR-related lung cancer (EGFR). Identifiers: MedGen CN130014.
Hereditary cancer-predisposing syndrome. Also called: Neoplastic Syndromes, Hereditary; Hereditary Cancer Syndrome; Tumor predisposition; Hereditary neoplastic syndrome. Identifiers: Orphanet 140162, MedGen C0027672, MeSH D009386, MONDO:0015356.

Allele frequency attached by ClinVar (database versions not stated): gnomAD exomes below 0.00001; ExAC 0.00001.

Submissions (2):

Ambry Genetics
Classification: Uncertain significance for Hereditary cancer-predisposing syndrome. Last evaluated: 2025-06-09. Review status: criteria provided, single submitter. Criteria: Ambry Variant Classification Scheme 2023. Collection method: clinical testing. Allele origin: germline.
Comment: The p.L688F variant (also known as c.2062C>T) is located in coding exon 18 of the EGFR gene. The leucine at codon 688 is replaced by phenylalanine, an amino acid with highly similar properties. This change occurs in the first base pair of coding exon 18. This amino acid position is highly conserved in available vertebrate species. In addition, the in silico prediction for this alteration is inconclusive. Based on the available evidence, the clinical significance of this variant remains unclear.

Labcorp Genetics (formerly Invitae), Labcorp
Classification: Uncertain significance for EGFR-related lung cancer. Last evaluated: 2023-03-30. Review status: criteria provided, single submitter. Criteria: Invitae Variant Classification Sherloc (09022015). Collection method: clinical testing. Allele origin: germline.
Comment: This variant is present in population databases (rs749554270, gnomAD 0.0009%). In summary, the available evidence is currently insufficient to determine the role of this variant in disease. Therefore, it has been classified as a Variant of Uncertain Significance. An algorithm developed to predict the effect of missense changes on protein structure and function (PolyPhen-2) suggests that this variant is likely to be disruptive. This variant has not been reported in the literature in individuals affected with EGFR-related conditions. This sequence change replaces leucine, which is neutral and non-polar, with phenylalanine, which is neutral and non-polar, at codon 688 of the EGFR protein (p.Leu688Phe).